The following is an entry in ClinVar:

NM_003361.4(UMOD):c.200A>G (p.Asp67Gly)

Gene: UMOD (uromodulin; minus strand). Cytogenetic location: 16p12.3.
Variant type: single nucleotide variant.
Coding change: c.200A>G on transcript NM_003361.4 (MANE Select); coding-DNA position 200, A replaced by G.
Protein change: p.Asp67Gly; replaces aspartic acid 67 with glycine.
Molecular consequence: missense variant. On other transcripts: non-coding transcript variant (1).
Genome position (GRCh38, 1-based): chr16:20,349,101, T>C on the plus strand (A>G on the coding strand, the complement: UMOD is on the minus strand). VCF-style: chr16-20349101-T-C. GRCh37 (hg19) VCF-style: chr16-20360423-T-C.
Other names: c.200A>G, p.Asp67Gly (NM_001008389.3, NM_001378232.1, NM_001378233.1 and 3 more transcripts); c.299A>G, p.Asp100Gly (NM_001278614.2); short protein forms D100G, D67G.
Identifiers: ClinVar variation 2632705 (VCV002632705.3), dbSNP rs2507390910, ClinGen allele CA394987467.

ClinVar aggregate classification (germline): Conflicting classifications of pathogenicity. Review status: criteria provided, conflicting classifications (1 of 4 stars). 3 submissions from 3 submitters: Likely pathogenic (1); Uncertain significance (2). Last evaluated 2024-10-02.

Conditions:
Familial juvenile hyperuricemic nephropathy type 1 (ADTKD1). Also called: Autosomal Dominant Tubulointerstitial Kidney Disease – UMOD; UMOD-Associated Kidney Disease; Uromodulin-associated kidney disease; Glomerulocystic kidney disease with hyperuricemia and isosthenuria; Medullary cystic kidney disease 2. Identifiers: Orphanet 209886, Orphanet 34149, Orphanet 88950, MedGen C4551496, MONDO:0008073, OMIM 162000.
UMOD-related disorder. Also called: UMOD-related condition.

Submissions (3):

3billion
Classification: Likely pathogenic for Familial juvenile hyperuricemic nephropathy type 1. Last evaluated: 2024-10-02. Review status: criteria provided, single submitter. Criteria: ACMG Guidelines, 2015. Collection method: clinical testing. Allele origin: germline. Affected: yes.
Comment: The variant is not observed in the gnomAD v4.1.0 dataset. Predicted Consequence/Location: Missense variant. Missense changes are a common disease-causing mechanism. In silico tool predictions suggest damaging effect of the variant on gene or gene product [REVEL: 0.82 (>=0.6, sensitivity 0.68 and specificity 0.92); 3Cnet: 0.99 (>=0.6, sensitivity 0.72 and precision 0.9)]. The same nucleotide change resulting in the same amino acid change has been previously reported to be associated with UMOD related disorder (PMID: 32954071).A different missense change at the same codon (p.Asp67His) has been reported to be associated with UMOD related disorder (PMID: 37900933). Therefore, this variant is classified as Likely pathogenic according to the recommendation of ACMG/AMP guideline.

Fulgent Genetics
Classification: Uncertain significance for Familial juvenile hyperuricemic nephropathy type 1. Last evaluated: 2024-06-03. Review status: criteria provided, single submitter. Criteria: ACMG Guidelines, 2015. Collection method: clinical testing. Allele origin: germline.

PreventionGenetics, part of Exact Sciences
Classification: Uncertain significance for UMOD-related condition. Last evaluated: 2023-05-25. Review status: criteria provided, single submitter. Criteria: ACMG Guidelines, 2015. Collection method: clinical testing. Allele origin: germline.
Comment: The UMOD c.200A>G variant is predicted to result in the amino acid substitution p.Asp67Gly. This variant was reported in an individual with end-stage kidney disease (Kidd et al. 2020. PubMed ID: 32954071, supplementary table 1). This variant has not been reported in a large population database, indicating this variant is rare. At this time, the clinical significance of this variant is uncertain due to the absence of conclusive functional and genetic evidence.

Literature cited by the submitters: PubMed 37900933 (cited by 3billion); PubMed 32954071 (cited by 3billion).